The following is an entry in ClinVar:

ClinVar aggregate classification (germline): Likely benign. Review status: criteria provided, multiple submitters, no conflicts (2 of 4 stars). 3 submissions from 3 submitters: Likely benign (2). 1 of the submissions does not count toward it. Last evaluated 2025-05-25.

Conditions:
AFF4-related disorder. Also called: AFF4-related condition.
Cognitive impairment - coarse facies - heart defects - obesity - pulmonary involvement - short stature - skeletal dysplasia syndrome. Also called: AFF4-Related CHOPS Syndrome; COGNITIVE IMPAIRMENT, COARSE FACIES, HEART DEFECTS, OBESITY, PULMONARY INVOLVEMENT, SHORT STATURE, AND SKELETAL DYSPLASIA; Chops syndrome. Identifiers: Orphanet 444077, MedGen C4085597, MONDO:0014609, OMIM 616368.

Submissions (3):

Labcorp Genetics (formerly Invitae), Labcorp
Classification: Likely benign for Cognitive impairment - coarse facies - heart defects - obesity - pulmonary involvement - short stature - skeletal dysplasia syndrome. Last evaluated: 2025-05-25. Review status: criteria provided, single submitter. Criteria: Invitae Variant Classification Sherloc (09022015). Collection method: clinical testing. Allele origin: germline.

CeGaT Center for Human Genetics Tuebingen
Classification: Likely benign. Last evaluated: 2024-12-01. Review status: criteria provided, single submitter. Criteria: CeGaT Center For Human Genetics Tuebingen Variant Classification Criteria Version 2. Collection method: clinical testing. Allele origin: germline. Affected: yes. Observed: 1 variant allele.
Comment: AFF4: BP4

PreventionGenetics, part of Exact Sciences
Classification: Likely benign for AFF4-related condition. Last evaluated: 2019-05-17. Review status: no assertion criteria provided. Collection method: clinical testing. Allele origin: germline. Not counted in ClinVar's aggregate classification.
Comment: This variant is classified as likely benign based on ACMG/AMP sequence variant interpretation guidelines (Richards et al. 2015 PMID: 25741868, with internal and published modifications).

NM_014423.4(AFF4):c.124-27ATTTT[3]

Gene: AFF4 (ALF transcription elongation factor 4; minus strand). Cytogenetic location: 5q31.1.
Variant type: Microsatellite.
Coding change: c.124-27ATTTT[3] on transcript NM_014423.4 (MANE Select); three copies in a row of the 5-base unit ATTTT starting at c.124-27; the reference has four copies in a row; one copy, 5 bases deleted.
Molecular consequence: intron variant.
Genome position (GRCh38, 1-based): chr5:132,934,949-132,934,953, AAAAT deleted on the plus strand (ATTTT on the coding strand, the reverse complement: AFF4 is on the minus strand); deleting any 5 consecutive bases within chr5:132,934,949-132,934,968 gives the same sequence; the position shown is the placement nearest the transcript's 3' end. VCF-style (leftmost placement, unchanged base first): chr5-132934948-AAAAAT-A. GRCh37 (hg19) VCF-style: chr5-132270640-AAAAAT-A.
Other names: c.124-12_124-8del5 (NM_014423.3).
Identifiers: ClinVar variation 1604752 (VCV001604752.23), dbSNP rs771676566, ClinGen allele CA3409485.